The following is an entry in ClinVar:

NM_001903.5(CTNNA1):c.1331AAG[1] (p.Glu445del)

Gene: CTNNA1 (catenin alpha 1; plus strand). Cytogenetic location: 5q31.2.
Variant type: Microsatellite.
Coding change: c.1331AAG[1] on transcript NM_001903.5 (MANE Select); one copy of the 3-base unit AAG starting at c.1331; the reference has two copies in a row; one copy, 3 bases deleted.
Protein change: p.Glu445del; deletes glutamic acid 445.
Molecular consequence: inframe deletion. On other transcripts: 5 prime UTR variant (6), intron variant (3).
Genome position (GRCh38, 1-based): chr5:138,904,386-138,904,388, AAG deleted; deleting any 3 consecutive bases within chr5:138,904,382-138,904,388 gives the same sequence; the position shown is the placement nearest the transcript's 3' end. VCF-style (leftmost placement, unchanged base first): chr5-138904381-TGAA-T. GRCh37 (hg19) VCF-style: chr5-138240070-TGAA-T.
Other names: c.1331AAG[1], p.Glu445del (NM_001290307.3, NM_001323982.2, NM_001323983.1 and 2 more transcripts); c.1022AAG[1], p.Glu342del (NM_001290309.3); c.962AAG[1], p.Glu322del (NM_001290310.3); c.221AAG[1], p.Glu75del (NM_001290312.1, NM_001323987.1, NM_001323988.1 and 17 more transcripts); c.-177AAG[1] (NM_001324006.1, NM_001324007.1, NM_001324008.1 and 1 more transcripts); c.-23AAG[1] (NM_001324012.1, NM_001324013.1); c.1297-13356_1297-13354del (NM_001323986.2); c.187-13356_187-13354del (NM_001324011.1); and 1 more; short protein forms E322del, E445del, E342del, E75del.
Identifiers: ClinVar variation 951795 (VCV000951795.10), dbSNP rs1758714737, ClinGen allele CA1586071425.
Genomic context (GRCh38, chr5:138,904,381, plus strand): 5'-CTTTAAAGATTATTTTTTATGTTTATAGGTTGCCAACTTGGCCTGTTCCATCTCAAATAA[TGAA>T]GAAGGTGTAAAGCTTGTTCGAATGTCTGCAAGCCAGTTAGAAGCCCTCTGTCCTCAGGTA-3'

ClinVar aggregate classification (germline): Uncertain significance. Review status: criteria provided, multiple submitters, no conflicts (2 of 4 stars). 2 submissions from 2 submitters: Uncertain significance (2). Last evaluated 2023-12-18.

Conditions:
Hereditary cancer-predisposing syndrome. Also called: Tumor predisposition; Hereditary neoplastic syndrome; Neoplastic Syndromes, Hereditary; Hereditary Cancer Syndrome. Identifiers: Orphanet 140162, MedGen C0027672, MeSH D009386, MONDO:0015356.

Submissions (2):

Labcorp Genetics (formerly Invitae), Labcorp
Classification: Uncertain significance. Last evaluated: 2023-12-18. Review status: criteria provided, single submitter. Criteria: Invitae Variant Classification Sherloc (09022015). Collection method: clinical testing. Allele origin: germline.
Comment: This variant, c.1334_1336del, results in the deletion of 1 amino acid(s) of the CTNNA1 protein (p.Glu445del), but otherwise preserves the integrity of the reading frame. This variant is not present in population databases (gnomAD no frequency). This variant has not been reported in the literature in individuals affected with CTNNA1-related conditions. ClinVar contains an entry for this variant (Variation ID: 951795). RNA analysis performed to evaluate the impact of this variant on mRNA splicing indicates it does not significantly alter splicing (Invitae). In summary, the available evidence is currently insufficient to determine the role of this variant in disease. Therefore, it has been classified as a Variant of Uncertain Significance.

Ambry Genetics
Classification: Uncertain significance for Hereditary cancer-predisposing syndrome. Last evaluated: 2022-06-15. Review status: criteria provided, single submitter. Criteria: Ambry Variant Classification Scheme 2023. Collection method: clinical testing. Allele origin: germline.
Comment: The c.1334_1336delAAG variant (also known as p.E445del) is located in coding exon 9 of the CTNNA1 gene. This variant results from an in-frame AAG deletion at nucleotide positions 1334 to 1336. This results in the in-frame deletion of a glutamic acid at codon 445. This amino acid position is highly conserved in available vertebrate species. In addition, this alteration is predicted to be deleterious by in silico analysis (Choi Y et al. PLoS ONE. 2012; 7(10):e46688). The evidence for this gene-disease relationship is limited; therefore, the clinical significance of this alteration is unclear.